The following is an entry in ClinVar:

NM_001037.5(SCN1B):c.105del (p.Phe36fs)

Gene: SCN1B (sodium voltage-gated channel beta subunit 1; plus strand). Cytogenetic location: 19q13.11.
Variant type: Deletion.
Coding change: c.105del on transcript NM_001037.5 (MANE Select); coding-DNA position 105, one base deleted (C; older notation c.105delC).
Protein change: p.Phe36fs; shifts the reading frame from phenylalanine 36.
Molecular consequence: frameshift variant.
Genome position (GRCh38, 1-based): chr19:35,032,592, C deleted; the last of 2 consecutive C bases (chr19:35,032,591-35,032,592); deleting either gives the same sequence. VCF-style (leftmost placement, unchanged base first): chr19-35032590-AC-A. GRCh37 (hg19) VCF-style: chr19-35523494-AC-A.
Other names: c.6del, p.Phe3fs (NM_001321605.2); c.105del, p.Phe36fs (NM_199037.5); short protein forms F36fs, F3fs.
Identifiers: ClinVar variation 2728854 (VCV002728854.3), dbSNP rs2514232999, ClinGen allele CA2697556454.

ClinVar aggregate classification (germline): Pathogenic (1 of 4 stars; one submission).

Conditions:
Brugada syndrome 5 (BRGDA5). Identifiers: Orphanet 130, Orphanet 871, MedGen C2748541, MONDO:0013015, OMIM 612838.

Submission:

Labcorp Genetics (formerly Invitae), Labcorp
Classification: Pathogenic for Brugada syndrome 5. Last evaluated: 2024-09-23. Review status: criteria provided, single submitter. Criteria: Invitae Variant Classification Sherloc (09022015). Collection method: clinical testing. Allele origin: germline.
Comment: This sequence change creates a premature translational stop signal (p.Phe36Serfs*111) in the SCN1B gene. While this is not anticipated to result in nonsense mediated decay, it is expected to disrupt the last 233 amino acid(s) of the SCN1B protein. This variant is not present in population databases (gnomAD no frequency). This variant has not been reported in the literature in individuals affected with SCN1B-related conditions. This variant disrupts a region of the SCN1B protein in which other variant(s) (p.Cys121Trp) have been determined to be pathogenic (PMID: 9697698, 12011299, 17020904, 20628201, 27277800, 28331474). This suggests that this is a clinically significant region of the protein, and that variants that disrupt it are likely to be disease-causing. For these reasons, this variant has been classified as Pathogenic.

Literature cited by the submitters: PubMed 9697698; PubMed 12011299; PubMed 17020904; PubMed 20628201; PubMed 27277800; PubMed 28331474.